The following is an entry in ClinVar:

NM_000358.3(TGFBI):c.370C>A (p.Arg124Ser)

Gene: TGFBI (transforming growth factor beta induced; plus strand). Cytogenetic location: 5q31.1.
Variant type: single nucleotide variant.
Coding change: c.370C>A on transcript NM_000358.3 (MANE Select); coding-DNA position 370, C replaced by A.
Protein change: p.Arg124Ser; replaces arginine 124 with serine.
Molecular consequence: missense variant.
Genome position (GRCh38, 1-based): chr5:136,046,406, C>A. VCF-style: chr5-136046406-C-A. GRCh37 (hg19) VCF-style: chr5-135382095-C-A.
Other names: short protein forms R124S.
Identifiers: ClinVar variation 7873 (VCV000007873.7), dbSNP rs121909210, ClinGen allele CA119125.
Genomic context (GRCh38, chr5:136,046,406, plus strand): 5'-TCAAACCTTTACGAGACCCTGGGAGTCGTTGGATCCACCACCACTCAGCTGTACACGGAC[C>A]GCACGGAGAAGCTGAGGCCTGAGATGGAGGGGCCCGGCAGCTTCACCATCTTCGCCCCTA-3'
Protein context (NP_000349.1, residues 114-134): GSTTTQLYTD[Arg124Ser]TEKLRPEMEG

ClinVar aggregate classification (germline): Pathogenic. Review status: criteria provided, multiple submitters, no conflicts (2 of 4 stars). 3 submissions from 3 submitters: Pathogenic (2). 1 of the submissions does not count toward it. Last evaluated 2026-07-01.

Conditions:
Epithelial-stromal TGFBI dystrophy. Identifiers: MedGen CN322643, MONDO:0000764.
Groenouw corneal dystrophy type I (CDGG1). Also called: GRANULAR CORNEAL DYSTROPHY, TYPE I. Identifiers: Orphanet 98962, MedGen C1641846, MONDO:0007377, OMIM 121900.

gnomAD v4.1: 1 of 1,613,912 alleles (0.000062%); highest among the groups gnomAD compares: East Asian, 0.0022%; no homozygotes.

Submissions (3):

CeGaT Center for Human Genetics Tuebingen
Classification: Pathogenic. Last evaluated: 2026-07-01. Review status: criteria provided, single submitter. Criteria: CeGaT Center For Human Genetics Tuebingen Variant Classification Criteria Version 2. Collection method: clinical testing. Allele origin: germline. Affected: yes. Observed: 1 variant allele.
Comment: TGFBI: PP1:Strong, PM1, PM2, PM5, PS4:Moderate

Genetics and Molecular Pathology, SA Pathology
Classification: Pathogenic for Epithelial-stromal TGFBI dystrophy. Last evaluated: 2021-09-21. Review status: criteria provided, single submitter. Criteria: ACMG Guidelines, 2015. Collection method: clinical testing. Allele origin: germline. Inheritance: Autosomal dominant inheritance. Affected: yes.

OMIM
Classification: Pathogenic for CORNEAL DYSTROPHY, GROENOUW TYPE I. Last evaluated: 2002-04-01. Review status: no assertion criteria provided. Collection method: literature only. Allele origin: germline. Not counted in ClinVar's aggregate classification.

Literature cited by the submitters: PubMed 11923233 (cited by OMIM).